The following is an entry in ClinVar:

NM_021942.6(TRAPPC11):c.2116G>A (p.Gly706Arg)

Gene: TRAPPC11 (trafficking protein particle complex subunit 11; plus strand). Cytogenetic location: 4q35.1.
Variant type: single nucleotide variant.
Coding change: c.2116G>A on transcript NM_021942.6 (MANE Select); coding-DNA position 2116, G replaced by A.
Protein change: p.Gly706Arg; replaces glycine 706 with arginine.
Molecular consequence: missense variant.
Genome position (GRCh38, 1-based): chr4:183,693,026, G>A. VCF-style: chr4-183693026-G-A. GRCh37 (hg19) VCF-style: chr4-184614179-G-A.
Other names: c.2116G>A, p.Gly706Arg (NM_199053.3); short protein forms G706R.
Identifiers: ClinVar variation 2079424 (VCV002079424.4), dbSNP rs2476909954, ClinGen allele CA358870860.

ClinVar aggregate classification (germline): Uncertain significance (1 of 4 stars; one submission).

Conditions:
Autosomal recessive limb-girdle muscular dystrophy type R18 (LGMDR18). Also called: MUSCULAR DYSTROPHY, LIMB-GIRDLE, AUTOSOMAL RECESSIVE 18; Autosomal recessive limb-girdle muscular dystrophy type 2S; Limb-girdle muscular dystrophy, type 2S. Identifiers: Orphanet 369840, MedGen C4517996, MONDO:0014144, OMIM 615356.

Submission:

Labcorp Genetics (formerly Invitae), Labcorp
Classification: Uncertain significance for Autosomal recessive limb-girdle muscular dystrophy type R18. Last evaluated: 2022-08-09. Review status: criteria provided, single submitter. Criteria: Invitae Variant Classification Sherloc (09022015). Collection method: clinical testing. Allele origin: germline.
Comment: Algorithms developed to predict the effect of missense changes on protein structure and function are either unavailable or do not agree on the potential impact of this missense change (SIFT: "Deleterious"; PolyPhen-2: "Probably Damaging"; Align-GVGD: "Class C0"). This variant has not been reported in the literature in individuals affected with TRAPPC11-related conditions. This variant is not present in population databases (gnomAD no frequency). This sequence change replaces glycine, which is neutral and non-polar, with arginine, which is basic and polar, at codon 706 of the TRAPPC11 protein (p.Gly706Arg). In summary, the available evidence is currently insufficient to determine the role of this variant in disease. Therefore, it has been classified as a Variant of Uncertain Significance.